The following is an entry in ClinVar:

ClinVar aggregate classification (germline): Likely benign (1 of 4 stars; one submission).

Conditions:
CHEK1-related disorder. Also called: CHEK1-related condition.

gnomAD v4.1: 31 of 1,609,188 alleles (0.0019%); highest among the groups gnomAD compares: African/African-American, 0.035%; no homozygotes.

Submission:

PreventionGenetics, part of Exact Sciences
Classification: Likely benign for CHEK1-related condition. Last evaluated: 2026-05-07. Review status: criteria provided, single submitter. Criteria: ACMG Guidelines, 2015. Collection method: clinical testing. Allele origin: germline.
Comment: This variant is classified as likely benign based on ACMG/AMP sequence variant interpretation guidelines (Richards et al. 2015 PMID: 25741868, with internal and published modifications).

NM_001114122.3(CHEK1):c.678A>G (p.Thr226=)

Gene: CHEK1 (checkpoint kinase 1; plus strand). Cytogenetic location: 11q24.2.
Variant type: single nucleotide variant.
Coding change: c.678A>G on transcript NM_001114122.3 (MANE Select); coding-DNA position 678, A replaced by G.
Protein change: p.Thr226=; no amino-acid change (threonine 226 retained).
Molecular consequence: synonymous variant. On other transcripts: non-coding transcript variant (2).
Genome position (GRCh38, 1-based): chr11:125,635,493, A>G. VCF-style: chr11-125635493-A-G. GRCh37 (hg19) VCF-style: chr11-125505388-A-G.
Other names: c.678A>G, p.Thr226= (NM_001114121.2, NM_001244846.1, NM_001274.5); c.375A>G, p.Thr125= (NM_001330427.2); c.396A>G, p.Thr132= (NM_001330428.1).
Identifiers: ClinVar variation 4980406 (VCV004980406.1).